The following is an entry in ClinVar:

NM_024422.6(DSC2):c.1487del (p.Tyr496fs)

Gene: DSC2 (desmocollin 2; minus strand). Cytogenetic location: 18q12.1.
Variant type: Deletion.
Coding change: c.1487del on transcript NM_024422.6 (MANE Select); coding-DNA position 1487, one base deleted (A; older notation c.1487delA).
Protein change: p.Tyr496fs; shifts the reading frame from tyrosine 496.
Molecular consequence: frameshift variant.
Genome position (GRCh38, 1-based): chr18:31,080,129, T deleted on the plus strand (A on the coding strand, the reverse complement: DSC2 is on the minus strand). VCF-style (leftmost placement, unchanged base first): chr18-31080128-AT-A. GRCh37 (hg19) VCF-style: chr18-28660094-AT-A.
Other names: c.1058del, p.Tyr353fs (NM_001406506.1, NM_001406507.1); c.1487del, p.Tyr496fs (NM_004949.5); short protein forms Y353fs, Y496fs.
Identifiers: ClinVar variation 3386526 (VCV003386526.1).

ClinVar aggregate classification (germline): Uncertain significance (1 of 4 stars; one submission).

Conditions:
Familial isolated arrhythmogenic right ventricular dysplasia. Identifiers: Orphanet 217656, MedGen C4274968, MONDO:0016342.

Submission:

All of Us Research Program, National Institutes of Health
Classification: Uncertain significance for Familial isolated arrhythmogenic right ventricular dysplasia. Last evaluated: 2024-03-24. Review status: criteria provided, single submitter. Criteria: ACMG Guidelines, 2015. Collection method: clinical testing. Allele origin: germline. Inheritance: Autosomal dominant inheritance. Observed: 1 variant allele, 1 heterozygote.
Comment: This variant deletes 1 nucleotide in exon 10 of the DSC2 gene, creating a frameshift and premature translation stop signal. This variant is expected to result in an absent or non-functional protein product. To our knowledge, this variant has not been reported in individuals affected with DSC2-related disorders in the literature. This variant has not been identified in the general population by the Genome Aggregation Database (gnomAD). Although there is a suspicion for a pathogenic role, the clinical relevance of loss-of-function DSC2 truncation and splice variants in autosomal dominant arrhythmogenic cardiomyopathy is not yet clearly established. The available evidence is insufficient to determine the role of this variant in disease conclusively. Therefore, this variant is classified as a Variant of Uncertain Significance.

This study involves interpretation of variants in research participants for the purpose of population health screening. Participant phenotype was not available at the time of variant classification. Additional details can be found in publication PMID: 35346344, PMCID: PMC8962531